The following is an entry in ClinVar:

ClinVar aggregate classification (germline): Likely pathogenic (1 of 4 stars; one submission).

Conditions:
Charcot-Marie-Tooth disease type 2. Also called: Charcot-Marie-Tooth type 2. Identifiers: Orphanet 64746, MedGen C0270914, MONDO:0018993.

Submission:

Labcorp Genetics (formerly Invitae), Labcorp
Classification: Likely pathogenic for Charcot-Marie-Tooth disease type 2. Last evaluated: 2018-08-13. Review status: criteria provided, single submitter. Criteria: Invitae Variant Classification Sherloc (09022015). Collection method: clinical testing. Allele origin: germline.
Comment: This variant is an in-frame deletion of the genomic region encompassing exon 3 of the LMNA gene. It preserves the integrity of the reading frame. This variant has not been reported in the literature in individuals with LMNA-related disease. Variants that disrupt the p.Arg190 and p.Glu203 amino acid residues in exon 3 of LMNA have been observed in affected individuals (PMID:Â¬â€ 16061563, 11897440, 22199124, 15219508, 26199943, 16537768,Â¬â€ 20160190, 26899768, 18795223,Â¬â€ 11561226, 22464770). This suggests that these are clinically significant residues, and that other variants that disrupt these residues are likely to be causative of disease. In summary, the currently available evidence indicates that the variant is pathogenic, but additional data are needed to prove that conclusively. Therefore, this variant has been classified as Likely Pathogenic.

NC_000001.11:g.(?_156134383)_(156134548_?)del

Gene: LMNA (lamin A/C; plus strand). Cytogenetic location: 1q22.
Variant type: Deletion.
Identifiers: ClinVar variation 650718 (VCV000650718.1).